The following is an entry in ClinVar:

NM_002878.4(RAD51D):c.449T>C (p.Leu150Pro)

Genes: RAD51D (RAD51 paralog D; minus strand), RAD51L3-RFFL (RAD51L3-RFFL readthrough; minus strand). Cytogenetic location: 17q12.
Variant type: single nucleotide variant.
Coding change: c.449T>C on transcript NM_002878.4 (MANE Select); coding-DNA position 449, T replaced by C.
Protein change: p.Leu150Pro; replaces leucine 150 with proline.
Molecular consequence: missense variant. On other transcripts: non-coding transcript variant (1), intron variant (1).
Genome position (GRCh38, 1-based): chr17:35,107,019, A>G on the plus strand (T>C on the coding strand, the complement: RAD51D is on the minus strand). VCF-style: chr17-35107019-A-G. GRCh37 (hg19) VCF-style: chr17-33434038-A-G.
Other names: c.509T>C, p.Leu170Pro (NM_001142571.2); c.145-538T>C (NM_133629.3); c.449T>C (NM_002878.3); short protein forms L170P, L150P.
Identifiers: ClinVar variation 1508779 (VCV001508779.9), dbSNP rs876660054, ClinGen allele CA399089209.
Genomic context (GRCh38, chr17:35,107,019, plus strand): 5'-CTCAATGGAACCCAGCATCCTGCCCTTACCTGTTCCTCCTCATCCTGGGTTTTAGCCTGA[A>G]GCAGCTGGAGGAGGCGGGAAGCTGTCAGCCCTCCATTGGAATCTACATATAGGACGTTTT-3'
Protein context (NP_002869.3, residues 140-160): GLTASRLLQL[Leu150Pro]QAKTQDEEEQ

ClinVar aggregate classification (germline): Uncertain significance. Review status: criteria provided, multiple submitters, no conflicts (2 of 4 stars). 2 submissions from 2 submitters: Uncertain significance (2). Last evaluated 2023-12-20.

Conditions:
Hereditary cancer-predisposing syndrome. Also called: Hereditary neoplastic syndrome; Neoplastic Syndromes, Hereditary; Tumor predisposition; Hereditary Cancer Syndrome. Identifiers: Orphanet 140162, MedGen C0027672, MeSH D009386, MONDO:0015356.
Breast-ovarian cancer, familial, susceptibility to, 4. Identifiers: Orphanet 145, MedGen C3280345, MONDO:0013669, OMIM 614291.

Submissions (2):

Ambry Genetics
Classification: Uncertain significance for Hereditary cancer-predisposing syndrome. Last evaluated: 2023-12-20. Review status: criteria provided, single submitter. Criteria: Ambry Variant Classification Scheme 2023. Collection method: clinical testing. Allele origin: germline.
Comment: The p.L150P variant (also known as c.449T>C), located in coding exon 5 of the RAD51D gene, results from a T to C substitution at nucleotide position 449. The leucine at codon 150 is replaced by proline, an amino acid with similar properties. This amino acid position is conserved. In addition, the in silico prediction for this alteration is inconclusive. Since supporting evidence is limited at this time, the clinical significance of this alteration remains unclear.

Labcorp Genetics (formerly Invitae), Labcorp
Classification: Uncertain significance for Breast-ovarian cancer, familial, susceptibility to, 4. Last evaluated: 2022-07-19. Review status: criteria provided, single submitter. Criteria: Invitae Variant Classification Sherloc (09022015). Collection method: clinical testing. Allele origin: germline.
Comment: ClinVar contains an entry for this variant (Variation ID: 1508779). This variant has not been reported in the literature in individuals affected with RAD51D-related conditions. This variant is not present in population databases (gnomAD no frequency). This sequence change replaces leucine, which is neutral and non-polar, with proline, which is neutral and non-polar, at codon 150 of the RAD51D protein (p.Leu150Pro). Algorithms developed to predict the effect of missense changes on protein structure and function are either unavailable or do not agree on the potential impact of this missense change (SIFT: "Deleterious"; PolyPhen-2: "Probably Damaging"; Align-GVGD: "Class C0"). In summary, the available evidence is currently insufficient to determine the role of this variant in disease. Therefore, it has been classified as a Variant of Uncertain Significance.